The following is an entry in ClinVar:

ClinVar aggregate classification (germline): Uncertain significance (1 of 4 stars; one submission).

gnomAD v4.1: 1 of 1,607,242 alleles (0.000062%); highest among the groups gnomAD compares: African/African-American, 0.0013%; no homozygotes.

Submission:

GeneDx
Classification: Uncertain significance. Last evaluated: 2023-12-03. Review status: criteria provided, single submitter. Criteria: GeneDx Variant Classification Process June 2021. Collection method: clinical testing. Allele origin: germline. Affected: yes.
Comment: Not observed at significant frequency in large population cohorts (gnomAD); In silico analysis supports that this missense variant has a deleterious effect on protein structure/function; Has not been previously published as pathogenic or benign to our knowledge

NM_001991.5(EZH1):c.158C>A (p.Thr53Asn)

Gene: EZH1 (enhancer of zeste 1 polycomb repressive complex 2 subunit; minus strand). Cytogenetic location: 17q21.2.
Variant type: single nucleotide variant.
Coding change: c.158C>A on transcript NM_001991.5 (MANE Select); coding-DNA position 158, C replaced by A.
Protein change: p.Thr53Asn; replaces threonine 53 with asparagine.
Molecular consequence: missense variant.
Genome position (GRCh38, 1-based): chr17:42,727,723, G>T on the plus strand (C>A on the coding strand, the complement: EZH1 is on the minus strand). VCF-style: chr17-42727723-G-T. GRCh37 (hg19) VCF-style: chr17-40879741-G-T.
Other names: c.176C>A, p.Thr59Asn (NM_001321079.2); c.158C>A, p.Thr53Asn (NM_001321081.2, NM_001321082.2); short protein forms T53N, T59N.
Identifiers: ClinVar variation 3365008 (VCV003365008.1).